The following is an entry in ClinVar:

ClinVar aggregate classification (germline): Likely benign. Review status: criteria provided, multiple submitters, no conflicts (2 of 4 stars). 3 submissions from 3 submitters: Likely benign (2). 1 of the submissions does not count toward it. Last evaluated 2026-01-19.

Conditions:
Cone-rod dystrophy 19 (CORD19). Identifiers: Orphanet 1872, MedGen C4014501, MONDO:0014372, OMIM 615860.
TTLL5-related disorder. Also called: TTLL5-related condition.

Allele frequency attached by ClinVar (database versions not stated): gnomAD 0.00010 and 0.00013; TOPMed 0.00018; ESP Exome Variant Server 0.00023; gnomAD exomes 0.00026 and 0.00040; 1000 Genomes Project 30x 0.00031; 1000 Genomes Project 0.00040; ExAC 0.00044.

Submissions (3):

Labcorp Genetics (formerly Invitae), Labcorp
Classification: Likely benign. Last evaluated: 2026-01-19. Review status: criteria provided, single submitter. Criteria: Invitae Variant Classification Sherloc (09022015). Collection method: clinical testing. Allele origin: germline.

Blueprint Genetics
Classification: Likely benign. Last evaluated: 2024-11-20. Review status: criteria provided, single submitter. Criteria: ACMG Guidelines, 2015. Collection method: clinical testing. Allele origin: germline.

PreventionGenetics, part of Exact Sciences
Classification: Likely benign for TTLL5-related condition. Last evaluated: 2024-09-06. Review status: no assertion criteria provided. Collection method: clinical testing. Allele origin: germline. Not counted in ClinVar's aggregate classification.
Comment: This variant is classified as likely benign based on ACMG/AMP sequence variant interpretation guidelines (Richards et al. 2015 PMID: 25741868, with internal and published modifications).

NM_015072.5(TTLL5):c.1781A>G (p.Asp594Gly)

Gene: TTLL5 (tubulin tyrosine ligase like 5; plus strand). Cytogenetic location: 14q24.3.
Variant type: single nucleotide variant.
Coding change: c.1781A>G on transcript NM_015072.5 (MANE Select); coding-DNA position 1781, A replaced by G.
Protein change: p.Asp594Gly; replaces aspartic acid 594 with glycine.
Molecular consequence: missense variant.
Genome position (GRCh38, 1-based): chr14:75,766,134, A>G. VCF-style: chr14-75766134-A-G. GRCh37 (hg19) VCF-style: chr14-76232477-A-G.
Other names: short protein forms D594G.
Identifiers: ClinVar variation 840444 (VCV000840444.13), dbSNP rs148938066, ClinGen allele CA7279535.